The following is an entry in ClinVar:

ClinVar aggregate classification (germline): Uncertain significance. Review status: criteria provided, multiple submitters, no conflicts (2 of 4 stars). 2 submissions from 2 submitters: Uncertain significance (2). Last evaluated 2023-12-04.

Conditions:
Catecholaminergic polymorphic ventricular tachycardia 1. Also called: RYR2-Related Catecholaminergic Polymorphic Ventricular Tachycardia; VENTRICULAR TACHYCARDIA, CATECHOLAMINERGIC POLYMORPHIC, 1, WITH OR WITHOUT ATRIAL DYSFUNCTION AND/OR DILATED CARDIOMYOPATHY; VENTRICULAR TACHYCARDIA, STRESS-INDUCED POLYMORPHIC 1. Identifiers: Orphanet 3286, MedGen C1631597, MONDO:0011484, OMIM 604772.
Arrhythmogenic right ventricular dysplasia 2. Identifiers: MedGen C1832931.
Ventricular arrhythmias due to cardiac ryanodine receptor calcium release deficiency syndrome. Also called: Autosomal dominant cardiac arrhythmia (Kuhn). Identifiers: MedGen C5542154, MONDO:0020745, OMIM 115000.
Cardiomyopathy (CMYO). Also called: Cardiomyopathies. Identifiers: Orphanet 167848, MedGen C0878544, MONDO:0004994, HP:0001638. Inheritance: Various modes of inheritance.

Allele frequency attached by ClinVar (database versions not stated): gnomAD exomes below 0.00001 and 0.00001; ExAC 0.00001.
gnomAD v4.1: 4 of 1,613,586 alleles (0.00025%); highest among the groups gnomAD compares: Middle Eastern, 0.017%; no homozygotes.

Submissions (2):

Color Diagnostics, LLC DBA Color Health
Classification: Uncertain significance for Cardiomyopathy. Last evaluated: 2023-12-04. Review status: criteria provided, single submitter. Criteria: ACMG Guidelines, 2015. Collection method: clinical testing. Allele origin: germline.
Comment: Variant of Uncertain Significance due to insufficient evidence: This missense variant is located in the cytoplasmic domain of the RYR2 protein. Computational prediction tools and conservation analyses are inconclusive regarding the impact of this variant on the protein function. Computational splicing tools suggest that this variant may not impact RNA splicing. To our knowledge, functional assays have not been performed for this variant nor has this variant been reported in individuals affected with cardiovascular disorders in the literature. This variant has been identified in 2/245510 chromosomes in the general population by the Genome Aggregation Database (gnomAD). Available evidence is insufficient to determine the pathogenicity of this variant conclusively.

Fulgent Genetics
Classification: Uncertain significance for Ventricular arrhythmias due to cardiac ryanodine receptor calcium release deficiency syndrome; Catecholaminergic polymorphic ventricular tachycardia 1. Last evaluated: 2021-08-23. Review status: criteria provided, single submitter. Criteria: ACMG Guidelines, 2015. Collection method: clinical testing. Allele origin: unknown.

NM_001035.3(RYR2):c.1345A>G (p.Ile449Val)

Gene: RYR2 (ryanodine receptor 2; plus strand). Cytogenetic location: 1q43.
Variant type: single nucleotide variant.
Coding change: c.1345A>G on transcript NM_001035.3 (MANE Select); coding-DNA position 1345, A replaced by G.
Protein change: p.Ile449Val; replaces isoleucine 449 with valine.
Molecular consequence: missense variant.
Genome position (GRCh38, 1-based): chr1:237,454,443, A>G. VCF-style: chr1-237454443-A-G. GRCh37 (hg19) VCF-style: chr1-237617743-A-G.
Other names: c.1345A>G, p.Ile449Val (LRG_402t1); short protein forms I449V.
Identifiers: ClinVar variation 629727 (VCV000629727.5), dbSNP rs775428443, ClinGen allele CA085376.
Genomic context (GRCh38, chr1:237,454,443, plus strand): 5'-TATTTTAGGGGCCTTGATGCTCTCAGCAAGAAAGCGAAGGCTTCCACAGTCGATTTGCCT[A>G]TAGAGTCCGTAAGCCTAAGTCTGCAGGATCTCATTGGCTACTTCCACCCCCCAGATGAGC-3'
Protein context (NP_001026.2, residues 439-459): KAKASTVDLP[Ile449Val]ESVSLSLQDL